The following is an entry in ClinVar:

ClinVar aggregate classification (germline): Uncertain significance. Review status: criteria provided, multiple submitters, no conflicts (2 of 4 stars). 2 submissions from 2 submitters: Uncertain significance (2). Last evaluated 2021-04-09.

Conditions:
Hereditary cancer-predisposing syndrome. Also called: Tumor predisposition; Hereditary neoplastic syndrome; Neoplastic Syndromes, Hereditary; Hereditary Cancer Syndrome. Identifiers: Orphanet 140162, MedGen C0027672, MeSH D009386, MONDO:0015356.
BAP1-related tumor predisposition syndrome (TPDS1). Also called: Tumor susceptibility linked to germline BAP1 mutations; COMMON Syndrome; TUMOR PREDISPOSITION SYNDROME 1; BAP1 tumor predisposition syndrome. Identifiers: Orphanet 289539, MedGen C3280492, MONDO:0013692, OMIM 614327.

Allele frequency attached by ClinVar (database versions not stated): gnomAD exomes below 0.00001.
gnomAD v4.1: 1 of 1,613,842 alleles (0.000062%); highest among the groups gnomAD compares: South Asian, 0.0011%; no homozygotes.

Submissions (2):

Ambry Genetics
Classification: Uncertain significance for Hereditary cancer-predisposing syndrome. Last evaluated: 2021-04-09. Review status: criteria provided, single submitter. Criteria: Ambry Variant Classification Scheme 2023. Collection method: clinical testing. Allele origin: germline.
Comment: The p.L570P variant (also known as c.1709T>C), located in coding exon 13 of the BAP1 gene, results from a T to C substitution at nucleotide position 1709. The leucine at codon 570 is replaced by proline, an amino acid with similar properties. This amino acid position is well conserved in available vertebrate species. In addition, the in silico prediction for this alteration is inconclusive. Since supporting evidence is limited at this time, the clinical significance of this alteration remains unclear.

Labcorp Genetics (formerly Invitae), Labcorp
Classification: Uncertain significance for BAP1-related tumor predisposition syndrome. Last evaluated: 2021-02-28. Review status: criteria provided, single submitter. Criteria: Invitae Variant Classification Sherloc (09022015). Collection method: clinical testing. Allele origin: germline.
Comment: This sequence change replaces leucine with proline at codon 570 of the BAP1 protein (p.Leu570Pro). The leucine residue is moderately conserved and there is a moderate physicochemical difference between leucine and proline. This variant is not present in population databases (ExAC no frequency). This variant has not been reported in the literature in individuals with BAP1-related conditions. Algorithms developed to predict the effect of missense changes on protein structure and function are either unavailable or do not agree on the potential impact of this missense change (SIFT: "Deleterious"; PolyPhen-2: "Possibly Damaging"; Align-GVGD: "Class C0"). In summary, the available evidence is currently insufficient to determine the role of this variant in disease. Therefore, it has been classified as a Variant of Uncertain Significance.

NM_004656.4(BAP1):c.1709T>C (p.Leu570Pro)

Gene: BAP1 (BRCA1 associated deubiquitinase 1; minus strand). Cytogenetic location: 3p21.1.
Variant type: single nucleotide variant.
Coding change: c.1709T>C on transcript NM_004656.4 (MANE Select); coding-DNA position 1709, T replaced by C.
Protein change: p.Leu570Pro; replaces leucine 570 with proline.
Molecular consequence: missense variant.
Genome position (GRCh38, 1-based): chr3:52,403,436, A>G on the plus strand (T>C on the coding strand, the complement: BAP1 is on the minus strand). VCF-style: chr3-52403436-A-G. GRCh37 (hg19) VCF-style: chr3-52437452-A-G.
Other names: short protein forms L570P.
Identifiers: ClinVar variation 1011397 (VCV001011397.7), dbSNP rs1705036379, ClinGen allele CA353099648.